The following is an entry in ClinVar:

NM_000214.3(JAG1):c.2876C>T (p.Ala959Val)

Gene: JAG1 (jagged canonical Notch ligand 1; minus strand). Cytogenetic location: 20p12.2.
Variant type: single nucleotide variant.
Coding change: c.2876C>T on transcript NM_000214.3 (MANE Select); coding-DNA position 2876, C replaced by T.
Protein change: p.Ala959Val; replaces alanine 959 with valine.
Molecular consequence: missense variant.
Genome position (GRCh38, 1-based): chr20:10,641,500, G>A on the plus strand (C>T on the coding strand, the complement: JAG1 is on the minus strand). VCF-style: chr20-10641500-G-A. GRCh37 (hg19) VCF-style: chr20-10622148-G-A.
Other names: c.2876C>T (NM_000214.2); short protein forms A959V.
Identifiers: ClinVar variation 1370290 (VCV001370290.8), dbSNP rs747802983, ClinGen allele CA9764375.
Genomic context (GRCh38, chr20:10,641,500, plus strand): 5'-AAACAAAGGTTGTTACATACTGGTGACATCATCTCCTTGTTAAAGGTAAATGTGATGTTC[G>A]CACAGTTATCCTGGTAATAGGAGTCAGAGGTGCACTTTGTCTTCACCGGCTGGAGACTGG-3'
Protein context (NP_000205.1, residues 949-969): TSDSYYQDNC[Ala959Val]NITFTFNKEM

ClinVar aggregate classification (germline): Uncertain significance. Review status: criteria provided, multiple submitters, no conflicts (2 of 4 stars). 2 submissions from 2 submitters: Uncertain significance (2). Last evaluated 2024-08-07.

Conditions:
Cardiovascular phenotype. Identifiers: MedGen CN230736.
Alagille syndrome due to a JAG1 point mutation. Also called: JAG1-Related Alagille Syndrome; Alagille Syndrome 1; HEPATIC DUCTULAR HYPOPLASIA, SYNDROMATIC. Identifiers: Orphanet 261619, Orphanet 52, MedGen C1956125, MONDO:0016862, OMIM 118450.

Allele frequency attached by ClinVar (database versions not stated): ExAC 0.00001; gnomAD 0.00001; gnomAD exomes 0.00001; TOPMed 0.00001.
gnomAD v4.1: 11 of 1,613,914 alleles (0.00068%); highest among the groups gnomAD compares: South Asian, 0.0011%; no homozygotes.

Submissions (2):

Ambry Genetics
Classification: Uncertain significance for Cardiovascular phenotype. Last evaluated: 2024-08-07. Review status: criteria provided, single submitter. Criteria: Ambry Variant Classification Scheme 2023. Collection method: clinical testing. Allele origin: germline.

Labcorp Genetics (formerly Invitae), Labcorp
Classification: Uncertain significance for Alagille syndrome due to a JAG1 point mutation. Last evaluated: 2023-05-27. Review status: criteria provided, single submitter. Criteria: Invitae Variant Classification Sherloc (09022015). Collection method: clinical testing. Allele origin: germline.
Comment: ClinVar contains an entry for this variant (Variation ID: 1370290). In summary, the available evidence is currently insufficient to determine the role of this variant in disease. Therefore, it has been classified as a Variant of Uncertain Significance. Advanced modeling of protein sequence and biophysical properties (such as structural, functional, and spatial information, amino acid conservation, physicochemical variation, residue mobility, and thermodynamic stability) performed at Invitae indicates that this missense variant is not expected to disrupt JAG1 protein function. This variant has not been reported in the literature in individuals affected with JAG1-related conditions. This variant is present in population databases (rs747802983, gnomAD 0.002%). This sequence change replaces alanine, which is neutral and non-polar, with valine, which is neutral and non-polar, at codon 959 of the JAG1 protein (p.Ala959Val).